The following is an entry in ClinVar:

ClinVar aggregate classification (germline): Pathogenic (1 of 4 stars; one submission).

Conditions:
Werner syndrome (WRN). Identifiers: Orphanet 902, MedGen C0043119, MONDO:0010196, OMIM 277700.

Submission:

Labcorp Genetics (formerly Invitae), Labcorp
Classification: Pathogenic for Werner syndrome. Last evaluated: 2021-06-17. Review status: criteria provided, single submitter. Criteria: Invitae Variant Classification Sherloc (09022015). Collection method: clinical testing. Allele origin: germline.
Comment: This variant has been observed in individual(s) with Werner syndrome (PMID: 25059010). This sequence change creates a premature translational stop signal (p.Arg809Serfs*3) in the WRN gene. It is expected to result in an absent or disrupted protein product. Loss-of-function variants in WRN are known to be pathogenic (PMID: 16673358). This variant is not present in population databases (ExAC no frequency). For these reasons, this variant has been classified as Pathogenic.

Literature cited by the submitters: PubMed 25059010; PubMed 16673358.

NM_000553.6(WRN):c.2427del (p.Arg809fs)

Gene: WRN (WRN RecQ like helicase; plus strand). Cytogenetic location: 8p12.
Variant type: Deletion.
Coding change: c.2427del on transcript NM_000553.6 (MANE Select); coding-DNA position 2427, one base deleted (G; older notation c.2427delG).
Protein change: p.Arg809fs; shifts the reading frame from arginine 809.
Molecular consequence: frameshift variant.
Genome position (GRCh38, 1-based): chr8:31,116,507, G deleted; the last of 2 consecutive G bases (chr8:31,116,506-31,116,507); deleting either gives the same sequence. VCF-style (leftmost placement, unchanged base first): chr8-31116505-AG-A. GRCh37 (hg19) VCF-style: chr8-30974021-AG-A.
Other names: short protein forms R809fs.
Identifiers: ClinVar variation 1400319 (VCV001400319.8), dbSNP rs2130306151, ClinGen allele CA2573142662.